The following is an entry in ClinVar:

NM_019066.5(MAGEL2):c.479CCCATCCTCCTCCTCCGGGGACCCCGATGG[3] (p.Met179_Val180insAlaHisProProProProGlyThrProMet)

Gene: MAGEL2 (MAGE family member L2; minus strand). Cytogenetic location: 15q11.2.
Variant type: Microsatellite.
Coding change: c.479CCCATCCTCCTCCTCCGGGGACCCCGATGG[3] on transcript NM_019066.5 (MANE Select); three copies in a row of the 30-base unit CCCATCCTCCTCCTCCGGGGACCCCGATGG starting at c.479; the reference has two copies in a row; one copy, 30 bases duplicated.
Protein change: p.Met179_Val180insAlaHisProProProProGlyThrProMet.
Molecular consequence: inframe insertion.
Genome position (GRCh38, 1-based): chr15:23,647,205-23,647,234, CCATCGGGGTCCCCGGAGGAGGAGGATGGG duplicated on the plus strand (CCCATCCTCCTCCTCCGGGGACCCCGATGG on the coding strand, the reverse complement: MAGEL2 is on the minus strand); duplicating any 30 consecutive bases within chr15:23,647,205-23,647,268 gives the same sequence; the position shown is the placement nearest the transcript's 3' end. VCF-style (leftmost placement, unchanged base first): chr15-23647204-A-ACCATCGGGGTCCCCGGAGGAGGAGGATGGG. GRCh37 (hg19) VCF-style: chr15-23892351-A-ACCATCGGGGTCCCCGGAGGAGGAGGATGGG.
Other names: c.509_538dup30 (NM_019066.4).
Identifiers: ClinVar variation 2230024 (VCV002230024.6), dbSNP rs751352401, ClinGen allele CA617084243.

ClinVar aggregate classification (germline): Uncertain significance. Review status: criteria provided, multiple submitters, no conflicts (2 of 4 stars). 3 submissions from 3 submitters: Uncertain significance (3). Last evaluated 2025-07-24.

Conditions:
Inborn genetic diseases. Identifiers: MedGen C0950123, MeSH D030342.
MAGEL2-related disorder. Also called: MAGEL2-related condition.

Submissions (3):

PreventionGenetics, part of Exact Sciences
Classification: Uncertain significance for MAGEL2-related condition. Last evaluated: 2025-07-24. Review status: criteria provided, single submitter. Criteria: ACMG Guidelines, 2015. Collection method: clinical testing. Allele origin: germline.
Comment: The MAGEL2 c.509_538dup30 variant is predicted to result in an in-frame duplication (p.Ala170_Met179dup). To our knowledge, this variant has not been reported in the literature or in a large population database (gnomAD), indicating this variant is rare. At this time, the clinical significance of this variant is uncertain due to the absence of conclusive functional and genetic evidence.

Labcorp Genetics (formerly Invitae), Labcorp
Classification: Uncertain significance. Last evaluated: 2024-08-07. Review status: criteria provided, single submitter. Criteria: Invitae Variant Classification Sherloc (09022015). Collection method: clinical testing. Allele origin: germline.
Comment: This variant, c.509_538dup, results in the insertion of 10 amino acid(s) of the MAGEL2 protein (p.Ala170_Met179dup), but otherwise preserves the integrity of the reading frame. This variant is not present in population databases (gnomAD no frequency). This variant has not been reported in the literature in individuals affected with MAGEL2-related conditions. ClinVar contains an entry for this variant (Variation ID: 2230024). In summary, the available evidence is currently insufficient to determine the role of this variant in disease. Therefore, it has been classified as a Variant of Uncertain Significance.

Ambry Genetics
Classification: Uncertain significance for Inborn genetic diseases. Last evaluated: 2021-03-10. Review status: criteria provided, single submitter. Criteria: Ambry Variant Classification Scheme 2023. Collection method: clinical testing. Allele origin: germline.
Comment: Imprinted gene; pathogenic alterations on paternal allele cause disease Based on insufficient or conflicting evidence, the clinical significance of this alteration remains unclear.